The following is an entry in ClinVar:

NM_001372044.2(SHANK3):c.828-8A>G

Gene: SHANK3 (SH3 and multiple ankyrin repeat domains 3; plus strand). Cytogenetic location: 22q13.33.
Variant type: single nucleotide variant.
Coding change: c.828-8A>G on transcript NM_001372044.2 (MANE Select); 8 bases into the intron before coding-DNA position 828, A replaced by G.
Molecular consequence: intron variant.
Genome position (GRCh38, 1-based): chr22:50,679,011, A>G. VCF-style: chr22-50679011-A-G. GRCh37 (hg19) VCF-style: chr22-51117439-A-G.
Identifiers: ClinVar variation 4085621 (VCV004085621.8).

ClinVar aggregate classification (germline): Likely benign (1 of 4 stars; one submission).

Submission:

CeGaT Center for Human Genetics Tuebingen
Classification: Likely benign. Last evaluated: 2025-07-01. Review status: criteria provided, single submitter. Criteria: CeGaT Center For Human Genetics Tuebingen Variant Classification Criteria Version 2. Collection method: clinical testing. Allele origin: germline. Affected: yes. Observed: 1 variant allele.
Comment: SHANK3: BP4, BS2